The following is an entry in ClinVar:

ClinVar aggregate classification (germline): Likely benign. Review status: criteria provided, multiple submitters, no conflicts (2 of 4 stars). 6 submissions from 6 submitters: Likely benign (6). Last evaluated 2025-12-30.

Conditions:
Hereditary cancer-predisposing syndrome. Also called: Tumor predisposition; Hereditary Cancer Syndrome; Neoplastic Syndromes, Hereditary; Hereditary neoplastic syndrome. Identifiers: Orphanet 140162, MedGen C0027672, MeSH D009386, MONDO:0015356.
PTCH1-related disorder. Also called: PTCH1-related disorders; PTCH1-related condition.
Gorlin syndrome. Also called: Nevoid Basal Cell Carcinoma Syndrome; Basal cell nevus syndrome. Identifiers: Orphanet 377, MedGen C0004779, MONDO:0007187.

Allele frequency attached by ClinVar (database versions not stated): TOPMed 0.00004.
gnomAD v4.1: 26 of 1,613,158 alleles (0.0016%); highest among the groups gnomAD compares: Non-Finnish European, 0.0019%; no homozygotes.

Submissions (6):

PreventionGenetics, part of Exact Sciences
Classification: Likely benign for PTCH1-related condition. Last evaluated: 2025-12-30. Review status: criteria provided, single submitter. Criteria: ACMG Guidelines, 2015. Collection method: clinical testing. Allele origin: germline.
Comment: This variant is classified as likely benign based on ACMG/AMP sequence variant interpretation guidelines (Richards et al. 2015 PMID: 25741868, with internal and published modifications).

Labcorp Genetics (formerly Invitae), Labcorp
Classification: Likely benign for Gorlin syndrome. Last evaluated: 2025-11-12. Review status: criteria provided, single submitter. Criteria: Invitae Variant Classification Sherloc (09022015). Collection method: clinical testing. Allele origin: germline.

Center for Genomic Medicine, Rigshospitalet, Copenhagen University Hospital
Classification: Likely benign. Last evaluated: 2025-03-04. Review status: criteria provided, single submitter. Criteria: ACMG Guidelines, 2015. Collection method: clinical testing. Allele origin: germline.

CeGaT Center for Human Genetics Tuebingen
Classification: Likely benign. Last evaluated: 2024-09-01. Review status: criteria provided, single submitter. Criteria: CeGaT Center For Human Genetics Tuebingen Variant Classification Criteria Version 2. Collection method: clinical testing. Allele origin: germline. Affected: yes. Observed: 1 variant allele.
Comment: PTCH1: BP4, BP7

Blueprint Genetics
Classification: Likely benign. Last evaluated: 2024-08-20. Review status: criteria provided, single submitter. Criteria: ACMG Guidelines, 2015. Collection method: clinical testing. Allele origin: germline.

Ambry Genetics
Classification: Likely benign for Hereditary cancer-predisposing syndrome. Last evaluated: 2017-10-05. Review status: criteria provided, single submitter. Criteria: Ambry Variant Classification Scheme 2023. Collection method: clinical testing. Allele origin: germline.

NM_000264.5(PTCH1):c.4116G>A (p.Thr1372=)

Gene: PTCH1 (patched 1; minus strand). Cytogenetic location: 9q22.32.
Variant type: single nucleotide variant.
Coding change: c.4116G>A on transcript NM_000264.5 (MANE Select); coding-DNA position 4116, G replaced by A.
Protein change: p.Thr1372=; no amino-acid change (threonine 1372 retained).
Molecular consequence: synonymous variant. On other transcripts: non-coding transcript variant (1).
Genome position (GRCh38, 1-based): chr9:95,447,140, C>T on the plus strand (G>A on the coding strand, the complement: PTCH1 is on the minus strand). VCF-style: chr9-95447140-C-T. GRCh37 (hg19) VCF-style: chr9-98209422-C-T.
Other names: c.3918G>A, p.Thr1306= (NM_001083602.3); c.4113G>A, p.Thr1371= (NM_001083603.3); c.3663G>A, p.Thr1221= (NM_001083604.3, NM_001083605.3, NM_001083606.3 and 1 more transcripts); c.3960G>A, p.Thr1320= (NM_001354918.2).
Identifiers: ClinVar variation 237496 (VCV000237496.33), dbSNP rs776937004, ClinGen allele CA5137951.